The following is an entry in ClinVar:

NM_201384.3(PLEC):c.5530G>A (p.Glu1844Lys)

Gene: PLEC (plectin; minus strand). Cytogenetic location: 8q24.3.
Variant type: single nucleotide variant.
Coding change: c.5530G>A on transcript NM_201384.3 (MANE Select); coding-DNA position 5530, G replaced by A.
Protein change: p.Glu1844Lys; replaces glutamic acid 1844 with lysine.
Molecular consequence: missense variant. On other transcripts: intron variant (1).
Genome position (GRCh38, 1-based): chr8:143,924,399, C>T on the plus strand (G>A on the coding strand, the complement: PLEC is on the minus strand). VCF-style: chr8-143924399-C-T. GRCh37 (hg19) VCF-style: chr8-144998567-C-T.
Other names: c.5611G>A, p.Glu1871Lys (NM_000445.5); c.5488G>A, p.Glu1830Lys (NM_201378.4); c.5464G>A, p.Glu1822Lys (NM_201379.3); c.5941G>A, p.Glu1981Lys (NM_201380.4); c.5434G>A, p.Glu1812Lys (NM_201381.3); c.5530G>A, p.Glu1844Lys (NM_201382.4); c.5542G>A, p.Glu1848Lys (NM_201383.3); c.4126-2004G>A (NM_001410941.1); short protein forms E1812K, E1848K, E1830K, E1981K, E1822K, E1844K, E1871K.
Identifiers: ClinVar variation 2926892 (VCV002926892.3), dbSNP rs782589457, ClinGen allele CA4926335.

ClinVar aggregate classification (germline): Uncertain significance (1 of 4 stars; one submission).

Conditions:
Epidermolysis bullosa simplex with nail dystrophy (EBS5D). Identifiers: MedGen C4225309, MONDO:0014661, OMIM 616487.
Epidermolysis bullosa simplex 5B, with muscular dystrophy (EBS5B). Also called: EPIDERMOLYSIS BULLOSA SIMPLEX AND LIMB-GIRDLE MUSCULAR DYSTROPHY; Epidermolysis bullosa simplex with muscular dystrophy. Identifiers: Orphanet 257, MedGen C2931072, MONDO:0009181, OMIM 226670.
Epidermolysis bullosa simplex 5C, with pyloric atresia (EBS5C). Also called: PLEC-Related Epidermolysis Bullosa with Pyloric Atresia; Epidermolysis bullosa simplex with pyloric atresia; PLEC1-Related Epidermolysis Bullosa with Pyloric Atresia. Identifiers: Orphanet 158684, MedGen C2677349, MONDO:0012807, OMIM 612138.
Autosomal recessive limb-girdle muscular dystrophy type 2Q (LGMDR17). Also called: MUSCULAR DYSTROPHY, LIMB-GIRDLE, AUTOSOMAL RECESSIVE 17. Identifiers: Orphanet 254361, MedGen C3150989, MONDO:0013390, OMIM 613723.
Epidermolysis bullosa simplex, Ogna type (EBS5A). Also called: Pidermolysis bullosa simplex 5A, Ogna type; EPIDERMOLYSIS BULLOSA SIMPLEX 5A, OGNA TYPE. Identifiers: Orphanet 79401, MedGen C0432317, MONDO:0007555, OMIM 131950.

Allele frequency attached by ClinVar (database versions not stated): gnomAD exomes 0.00001; ExAC 0.00003.
gnomAD v4.1: 9 of 1,594,330 alleles (0.00056%); highest among the groups gnomAD compares: East Asian, 0.0022%; no homozygotes.

Submission:

Labcorp Genetics (formerly Invitae), Labcorp
Classification: Uncertain significance for Autosomal recessive limb-girdle muscular dystrophy type 2Q; Epidermolysis bullosa simplex, Ogna type; Epidermolysis bullosa simplex with nail dystrophy; Epidermolysis bullosa simplex 5C, with pyloric atresia; Epidermolysis bullosa simplex 5B, with muscular dystrophy. Last evaluated: 2025-10-06. Review status: criteria provided, single submitter. Criteria: Invitae Variant Classification Sherloc (09022015). Collection method: clinical testing. Allele origin: germline.
Comment: This sequence change replaces glutamic acid, which is acidic and polar, with lysine, which is basic and polar, at codon 1871 of the PLEC protein (p.Glu1871Lys). The frequency data for this variant in the population databases is considered unreliable, as metrics indicate poor data quality at this position in the gnomAD database. This variant has not been reported in the literature in individuals affected with PLEC-related conditions. ClinVar contains an entry for this variant (Variation ID: 2926892). Experimental studies and prediction algorithms are not available or were not evaluated, and the functional significance of this variant is currently unknown. In summary, the available evidence is currently insufficient to determine the role of this variant in disease. Therefore, it has been classified as a Variant of Uncertain Significance.